The following is an entry in ClinVar:

ClinVar aggregate classification (germline): Uncertain significance. Review status: criteria provided, multiple submitters, no conflicts (2 of 4 stars). 2 submissions from 2 submitters: Uncertain significance (2). Last evaluated 2025-11-17.

Conditions:
Hereditary cancer-predisposing syndrome. Also called: Neoplastic Syndromes, Hereditary; Hereditary Cancer Syndrome; Tumor predisposition; Hereditary neoplastic syndrome. Identifiers: Orphanet 140162, MedGen C0027672, MeSH D009386, MONDO:0015356.
Bloom syndrome (BLM). Also called: Bloom-Torre-Machacek syndrome. Identifiers: Orphanet 125, MedGen C0005859, MONDO:0008876, OMIM 210900.

Allele frequency attached by ClinVar (database versions not stated): gnomAD exomes below 0.00001.
gnomAD v4.1: 1 of 1,613,826 alleles (0.000062%); highest among the groups gnomAD compares: Non-Finnish European, 0.000085%; no homozygotes.

Submissions (2):

Ambry Genetics
Classification: Uncertain significance for Hereditary cancer-predisposing syndrome. Last evaluated: 2025-11-17. Review status: criteria provided, single submitter. Criteria: Ambry Variant Classification Scheme 2023. Collection method: clinical testing. Allele origin: germline.
Comment: The p.G1134R variant (also known as c.3400G>A), located in coding exon 17 of the BLM gene, results from a G to A substitution at nucleotide position 3400. The glycine at codon 1134 is replaced by arginine, an amino acid with dissimilar properties. This amino acid position is highly conserved in available vertebrate species. In addition, this alteration is predicted to be deleterious by in silico analysis. Since supporting evidence is limited at this time, the clinical significance of this alteration remains unclear.

Labcorp Genetics (formerly Invitae), Labcorp
Classification: Uncertain significance for Bloom syndrome. Last evaluated: 2024-02-11. Review status: criteria provided, single submitter. Criteria: Invitae Variant Classification Sherloc (09022015). Collection method: clinical testing. Allele origin: germline.
Comment: This sequence change replaces glycine, which is neutral and non-polar, with arginine, which is basic and polar, at codon 1134 of the BLM protein (p.Gly1134Arg). This variant is not present in population databases (gnomAD no frequency). This variant has not been reported in the literature in individuals affected with BLM-related conditions. ClinVar contains an entry for this variant (Variation ID: 574560). Advanced modeling of protein sequence and biophysical properties (such as structural, functional, and spatial information, amino acid conservation, physicochemical variation, residue mobility, and thermodynamic stability) performed at Invitae indicates that this missense variant is expected to disrupt BLM protein function with a positive predictive value of 80%. In summary, the available evidence is currently insufficient to determine the role of this variant in disease. Therefore, it has been classified as a Variant of Uncertain Significance.

NM_000057.4(BLM):c.3400G>A (p.Gly1134Arg)

Gene: BLM (BLM RecQ like helicase; plus strand). Cytogenetic location: 15q26.1.
Variant type: single nucleotide variant.
Coding change: c.3400G>A on transcript NM_000057.4 (MANE Select); coding-DNA position 3400, G replaced by A.
Protein change: p.Gly1134Arg; replaces glycine 1134 with arginine.
Molecular consequence: missense variant. On other transcripts: intron variant (1).
Genome position (GRCh38, 1-based): chr15:90,803,562, G>A. VCF-style: chr15-90803562-G-A. GRCh37 (hg19) VCF-style: chr15-91346792-G-A.
Other names: c.3400G>A, p.Gly1134Arg (NM_001287246.2); c.2275G>A, p.Gly759Arg (NM_001287248.2); c.3358+5225G>A (NM_001287247.2); c.3400G>A (NM_000057.2); short protein forms G1134R, G759R.
Identifiers: ClinVar variation 574560 (VCV000574560.8), dbSNP rs1057516774, ClinGen allele CA393847514.